The following is an entry in ClinVar:

ClinVar aggregate classification (germline): Uncertain significance (1 of 4 stars; one submission).

Conditions:
Hereditary breast ovarian cancer syndrome. Also called: BRCA1- and BRCA2-Associated Hereditary Breast and Ovarian Cancer; Hereditary breast and/or ovarian cancer syndrome; Hereditary breast and ovarian cancer syndrome; Hereditary breast and ovarian cancer syndrome (HBOC); Breast and ovarian cancer; Hereditary breast and ovarian cancer. Identifiers: Orphanet 145, MedGen C0677776, MeSH D061325, MONDO:0003582. Disease mechanism: loss of function.

Submission:

Labcorp Genetics (formerly Invitae), Labcorp
Classification: Uncertain significance for Hereditary breast ovarian cancer syndrome. Last evaluated: 2022-10-15. Review status: criteria provided, single submitter. Criteria: Invitae Variant Classification Sherloc (09022015). Collection method: clinical testing. Allele origin: germline.
Comment: This sequence change replaces asparagine, which is neutral and polar, with histidine, which is basic and polar, at codon 56 of the BRCA2 protein (p.Asn56His). This variant is not present in population databases (gnomAD no frequency). This variant has not been reported in the literature in individuals affected with BRCA2-related conditions. Advanced modeling of protein sequence and biophysical properties (such as structural, functional, and spatial information, amino acid conservation, physicochemical variation, residue mobility, and thermodynamic stability) performed at Invitae indicates that this missense variant is not expected to disrupt BRCA2 protein function. In summary, the available evidence is currently insufficient to determine the role of this variant in disease. Therefore, it has been classified as a Variant of Uncertain Significance.

NM_000059.4(BRCA2):c.166A>C (p.Asn56His)

Gene: BRCA2 (BRCA2 DNA repair associated; plus strand). Cytogenetic location: 13q13.1.
Variant type: single nucleotide variant.
Coding change: c.166A>C on transcript NM_000059.4 (MANE Select); coding-DNA position 166, A replaced by C.
Protein change: p.Asn56His; replaces asparagine 56 with histidine.
Molecular consequence: missense variant.
Genome position (GRCh38, 1-based): chr13:32,319,175, A>C. VCF-style: chr13-32319175-A-C. GRCh37 (hg19) VCF-style: chr13-32893312-A-C.
Other names: c.166A>C, p.Asn56His (NM_001406719.1, NM_001406720.1, NM_001406721.1); c.-204A>C (NM_001406722.1); short protein forms N56H.
Identifiers: ClinVar variation 2071806 (VCV002071806.4), dbSNP rs1192851278, ClinGen allele CA387754320.
Genomic context (GRCh38, chr13:32,319,175, plus strand): 5'-TCTTCAGAAGCTCCACCCTATAATTCTGAACCTGCAGAAGAATCTGAACATAAAAACAAC[A>C]ATTACGAACCAAACCTATTTAAAACTCCACAAAGGAAACCATCTTATAATCAGCTGGCTT-3'
Protein context (NP_000050.3, residues 46-66): PAEESEHKNN[Asn56His]YEPNLFKTPQ